The following is an entry in ClinVar:

ClinVar aggregate classification (germline): Uncertain significance (1 of 4 stars; one submission).

Conditions:
Cardiovascular phenotype. Identifiers: MedGen CN230736.

gnomAD v4.1: 6 of 1,612,018 alleles (0.00037%); highest among the groups gnomAD compares: African/African-American, 0.0013%; no homozygotes.

Submission:

Ambry Genetics
Classification: Uncertain significance for Cardiovascular phenotype. Last evaluated: 2024-05-11. Review status: criteria provided, single submitter. Criteria: Ambry Variant Classification Scheme 2023. Collection method: clinical testing. Allele origin: germline.
Comment: The p.S1369A variant (also known as c.4105T>G), located in coding exon 10 of the TNXB gene, results from a T to G substitution at nucleotide position 4105. The serine at codon 1369 is replaced by alanine, an amino acid with similar properties. This amino acid position is conserved. In addition, this alteration is predicted to be tolerated by in silico analysis. Based on the available evidence, the clinical significance of this variant remains unclear.

NM_001365276.2(TNXB):c.4105T>G (p.Ser1369Ala)

Gene: TNXB (tenascin XB; minus strand). Cytogenetic location: 6p21.33.
Variant type: single nucleotide variant.
Coding change: c.4105T>G on transcript NM_001365276.2 (MANE Select); coding-DNA position 4105, T replaced by G.
Protein change: p.Ser1369Ala; replaces serine 1369 with alanine.
Molecular consequence: missense variant.
Genome position (GRCh38, 1-based): chr6:32,079,303, A>C on the plus strand (T>G on the coding strand, the complement: TNXB is on the minus strand). VCF-style: chr6-32079303-A-C. GRCh37 (hg19) VCF-style: chr6-32047080-A-C.
Other names: c.4105T>G, p.Ser1369Ala (NM_019105.8); short protein forms S1369A.
Identifiers: ClinVar variation 3327860 (VCV003327860.1).